The following is an entry in ClinVar:

ClinVar aggregate classification (germline): Uncertain significance (1 of 4 stars; one submission).

Allele frequency attached by ClinVar (database versions not stated): gnomAD 0.00001.

Submission:

GeneDx
Classification: Uncertain significance. Last evaluated: 2019-11-12. Review status: criteria provided, single submitter. Criteria: GeneDx Variant Classification Process June 2021. Collection method: clinical testing. Allele origin: germline. Affected: yes.
Comment: Has not been previously published as pathogenic or benign to our knowledge; Not observed at a significant frequency in large population cohorts (Lek et al., 2016); In silico analysis, which includes protein predictors and evolutionary conservation, supports a deleterious effect; The majority of missense variants in this gene are considered pathogenic (Stenson et al., 2014)

NM_005555.4(KRT6B):c.134G>A (p.Gly45Asp)

Gene: KRT6B (keratin 6B; minus strand). Cytogenetic location: 12q13.13.
Variant type: single nucleotide variant.
Coding change: c.134G>A on transcript NM_005555.4 (MANE Select); coding-DNA position 134, G replaced by A.
Protein change: p.Gly45Asp; replaces glycine 45 with aspartic acid.
Molecular consequence: missense variant.
Genome position (GRCh38, 1-based): chr12:52,451,945, C>T on the plus strand (G>A on the coding strand, the complement: KRT6B is on the minus strand). VCF-style: chr12-52451945-C-T. GRCh37 (hg19) VCF-style: chr12-52845729-C-T.
Other names: short protein forms G45D.
Identifiers: ClinVar variation 1309798 (VCV001309798.2), dbSNP rs1460706225, ClinGen allele CA384928328.